The following is an entry in ClinVar:

ClinVar aggregate classification (germline): Likely benign (1 of 4 stars; one submission).

gnomAD v4.1: 17 of 1,607,504 alleles (0.0011%); highest among the groups gnomAD compares: African/African-American, 0.0013%; no homozygotes.

Submission:

Mayo Clinic Laboratories, Mayo Clinic
Classification: Likely benign. Last evaluated: 2025-09-25. Review status: criteria provided, single submitter. Criteria: ACMG Guidelines, 2015. Collection method: clinical testing. Allele origin: germline. Observed: 1 variant allele.
Comment: BS2, BP4, BP5

NM_004082.5(DCTN1):c.490A>G (p.Ser164Gly)

Gene: DCTN1 (dynactin subunit 1; minus strand). Cytogenetic location: 2p13.1.
Variant type: single nucleotide variant.
Coding change: c.490A>G on transcript NM_004082.5 (MANE Select); coding-DNA position 490, A replaced by G.
Protein change: p.Ser164Gly; replaces serine 164 with glycine.
Molecular consequence: missense variant. On other transcripts: non-coding transcript variant (1).
Genome position (GRCh38, 1-based): chr2:74,371,692, T>C on the plus strand (A>G on the coding strand, the complement: DCTN1 is on the minus strand). VCF-style: chr2-74371692-T-C. GRCh37 (hg19) VCF-style: chr2-74598819-T-C.
Other names: p.Ser164Gly; c.430A>G, p.Ser144Gly (NM_001135040.3); c.88A>G, p.Ser30Gly (NM_001135041.3, NM_023019.4); c.379A>G, p.Ser127Gly (NM_001190836.2); c.469A>G, p.Ser157Gly (NM_001190837.2); c.439A>G, p.Ser147Gly (NM_001378991.1); c.421A>G, p.Ser141Gly (NM_001378992.1); short protein forms S127G, S141G, S144G, S147G, S157G, S164G, S30G.
Identifiers: ClinVar variation 4684580 (VCV004684580.1).